The following is an entry in ClinVar:

NM_138694.4(PKHD1):c.474dup (p.Ile159fs)

Gene: PKHD1 (PKHD1 ciliary IPT domain containing fibrocystin/polyductin; minus strand). Cytogenetic location: 6p12.2.
Variant type: Duplication.
Coding change: c.474dup on transcript NM_138694.4 (MANE Select); coding-DNA position 474, one base duplicated (G; older notation c.474dupG).
Protein change: p.Ile159fs; shifts the reading frame from isoleucine 159.
Molecular consequence: frameshift variant.
Genome position (GRCh38, 1-based): chr6:52,073,516, C duplicated on the plus strand (G on the coding strand, the reverse complement: PKHD1 is on the minus strand); the first of 2 consecutive C bases (chr6:52,073,516-52,073,517); duplicating either gives the same sequence. VCF-style (leftmost placement, unchanged base first): chr6-52073515-T-TC. GRCh37 (hg19) VCF-style: chr6-51938313-T-TC.
Other names: c.474dup, p.Ile159fs (NM_170724.3); short protein forms I159fs.
Identifiers: ClinVar variation 4816674 (VCV004816674.1).
Genomic context (GRCh38, chr6:52,073,515, plus strand): 5'-ACACTTACCTATCAATGTACTCAGCATCAAAATCAAAAGTTTCCAATCTTCCAGTGATAA[T>TC]CCAGCCATATACATGTATTAGTTTTCCTGTTTGAAGAAGAATTTTTTTAATTTAATGGAC-3'

ClinVar aggregate classification (germline): Likely pathogenic (1 of 4 stars; one submission).

Conditions:
Autosomal recessive polycystic kidney disease (ARPKD). Also called: AR polycystic kidney disease. Identifiers: Orphanet 731, Orphanet 8378, MedGen C0085548, MeSH D017044, MONDO:0009889.

Submission:

Natera, Inc.
Classification: Likely pathogenic for Autosomal recessive polycystic kidney disease. Last evaluated: 2024-08-07. Review status: criteria provided, single submitter. Criteria: Natera Variant Classification Schema (03/2026). Collection method: clinical testing. Allele origin: germline.
Comment: The c.474dup variant in PKHD1 is a frameshift variant predicted to shift the reading frame beginning at codon 159 and leads to a stop codon 10 codons downstream. This variant is expected to result in nonsense mediated decay, truncation, or a dysfunctional protein product. This variant is rare in the general population with a frequency below the threshold expected for the associated phenotype(s). Given the available evidence, this variant is classified as Likely Pathogenic.